The following is an entry in ClinVar:

NM_001376.5(DYNC1H1):c.7583C>G (p.Thr2528Ser)

Gene: DYNC1H1 (dynein cytoplasmic 1 heavy chain 1; plus strand). Cytogenetic location: 14q32.31.
Variant type: single nucleotide variant.
Coding change: c.7583C>G on transcript NM_001376.5 (MANE Select); coding-DNA position 7583, C replaced by G.
Protein change: p.Thr2528Ser; replaces threonine 2528 with serine.
Molecular consequence: missense variant.
Genome position (GRCh38, 1-based): chr14:102,016,458, C>G. VCF-style: chr14-102016458-C-G. GRCh37 (hg19) VCF-style: chr14-102482795-C-G.
Other names: short protein forms T2528S.
Identifiers: ClinVar variation 1331287 (VCV001331287.5), dbSNP rs370219646, ClinGen allele CA391002452.

ClinVar aggregate classification (germline): Conflicting classifications of pathogenicity. Review status: criteria provided, conflicting classifications (1 of 4 stars). 2 submissions from 2 submitters: Uncertain significance (1); Likely benign (1). Last evaluated 2024-04-08.

Conditions:
Charcot-Marie-Tooth disease axonal type 2O. Also called: Charcot-Marie-Tooth Neuropathy Type 2O; Charcot-Marie-Tooth disease, axonal, type 20; CHARCOT-MARIE-TOOTH NEUROPATHY, AXONAL, TYPE 2O; CHARCOT-MARIE-TOOTH DISEASE, AXONAL, AUTOSOMAL DOMINANT, TYPE 2O. Identifiers: Orphanet 284232, MedGen C3280220, MONDO:0013644, OMIM 614228.

Allele frequency attached by ClinVar (database versions not stated): gnomAD exomes below 0.00001.

Submissions (2):

Labcorp Genetics (formerly Invitae), Labcorp
Classification: Likely benign for Charcot-Marie-Tooth disease axonal type 2O. Last evaluated: 2024-04-08. Review status: criteria provided, single submitter. Criteria: Invitae Variant Classification Sherloc (09022015). Collection method: clinical testing. Allele origin: germline.

GeneDx
Classification: Uncertain significance. Last evaluated: 2021-12-21. Review status: criteria provided, single submitter. Criteria: GeneDx Variant Classification Process June 2021. Collection method: clinical testing. Allele origin: germline. Affected: yes.
Comment: In silico analysis supports that this missense variant does not alter protein structure/function; Has not been previously published as pathogenic or benign to our knowledge; This variant is associated with the following publications: (PMID: 25512093, 25609763, 26100331)